The following is an entry in ClinVar:

NM_014317.5(PDSS1):c.862G>A (p.Val288Met)

Gene: PDSS1 (decaprenyl diphosphate synthase subunit 1; plus strand). Cytogenetic location: 10p12.1.
Variant type: single nucleotide variant.
Coding change: c.862G>A on transcript NM_014317.5 (MANE Select); coding-DNA position 862, G replaced by A.
Protein change: p.Val288Met; replaces valine 288 with methionine.
Molecular consequence: missense variant. On other transcripts: intron variant (1).
Genome position (GRCh38, 1-based): chr10:26,735,270, G>A. VCF-style: chr10-26735270-G-A. GRCh37 (hg19) VCF-style: chr10-27024199-G-A.
Other names: c.352G>A, p.Val118Met (NM_001321979.2); c.836-7227G>A (NM_001321978.2); short protein forms V118M, V288M.
Identifiers: ClinVar variation 1949309 (VCV001949309.5), dbSNP rs761776627, ClinGen allele CA5447049.

ClinVar aggregate classification (germline): Uncertain significance (1 of 4 stars; one submission).

Allele frequency attached by ClinVar (database versions not stated): gnomAD exomes below 0.00001; TOPMed below 0.00001; ExAC 0.00002.

Submission:

Labcorp Genetics (formerly Invitae), Labcorp
Classification: Uncertain significance. Last evaluated: 2022-04-12. Review status: criteria provided, single submitter. Criteria: Invitae Variant Classification Sherloc (09022015). Collection method: clinical testing. Allele origin: germline.
Comment: This variant is present in population databases (rs761776627, gnomAD 0.003%). This variant has not been reported in the literature in individuals affected with PDSS1-related conditions. This sequence change replaces valine, which is neutral and non-polar, with methionine, which is neutral and non-polar, at codon 288 of the PDSS1 protein (p.Val288Met). In summary, the available evidence is currently insufficient to determine the role of this variant in disease. Therefore, it has been classified as a Variant of Uncertain Significance. Algorithms developed to predict the effect of missense changes on protein structure and function are either unavailable or do not agree on the potential impact of this missense change (SIFT: "Not Available"; PolyPhen-2: "Probably Damaging"; Align-GVGD: "Not Available").